The following is an entry in ClinVar:

NM_025137.4(SPG11):c.3124C>G (p.Gln1042Glu)

Gene: SPG11 (SPG11 vesicle trafficking associated, spatacsin; minus strand). Cytogenetic location: 15q21.1.
Variant type: single nucleotide variant.
Coding change: c.3124C>G on transcript NM_025137.4 (MANE Select); coding-DNA position 3124, C replaced by G.
Protein change: p.Gln1042Glu; replaces glutamine 1042 with glutamic acid.
Molecular consequence: missense variant.
Genome position (GRCh38, 1-based): chr15:44,613,451, G>C on the plus strand (C>G on the coding strand, the complement: SPG11 is on the minus strand). VCF-style: chr15-44613451-G-C. GRCh37 (hg19) VCF-style: chr15-44905649-G-C.
Other names: c.3124C>G, p.Gln1042Glu (NM_001160227.2, NM_001411132.1); short protein forms Q1042E.
Identifiers: ClinVar variation 1727882 (VCV001727882.7), dbSNP rs778811267, ClinGen allele CA7535061.

ClinVar aggregate classification (germline): Uncertain significance. Review status: criteria provided, multiple submitters, no conflicts (2 of 4 stars). 2 submissions from 2 submitters: Uncertain significance (2). Last evaluated 2022-05-24.

Conditions:
Inborn genetic diseases. Identifiers: MedGen C0950123, MeSH D030342.
Hereditary spastic paraplegia 11. Also called: Nakamura Osame syndrome; Autosomal recessive hereditary spastic paraplegia, mental impairment, and thin corpus callosum; SPASTIC PARAPLEGIA, AUTOSOMAL RECESSIVE, COMPLICATED, WITH THIN CORPUS CALLOSUM; SPASTIC PARAPLEGIA, AUTOSOMAL RECESSIVE, WITH MENTAL IMPAIRMENT AND THIN CORPUS CALLOSUM; Spastic Paraplegia 11; Spastic paraplegia, mental retardation and thin corpus callosum. Identifiers: Orphanet 2822, MedGen C1858479, MONDO:0011445, OMIM 604360.

Allele frequency attached by ClinVar (database versions not stated): gnomAD 0.00001; gnomAD exomes 0.00001; TOPMed 0.00001; ExAC 0.00003.
gnomAD v4.1: 8 of 1,613,372 alleles (0.0005%); highest among the groups gnomAD compares: Non-Finnish European, 0.00068%; no homozygotes.

Submissions (2):

Labcorp Genetics (formerly Invitae), Labcorp
Classification: Uncertain significance for Hereditary spastic paraplegia 11. Last evaluated: 2022-05-24. Review status: criteria provided, single submitter. Criteria: Invitae Variant Classification Sherloc (09022015). Collection method: clinical testing. Allele origin: germline.
Comment: This sequence change replaces glutamine, which is neutral and polar, with glutamic acid, which is acidic and polar, at codon 1042 of the SPG11 protein (p.Gln1042Glu). This variant is present in population databases (rs778811267, gnomAD 0.004%). In summary, the available evidence is currently insufficient to determine the role of this variant in disease. Therefore, it has been classified as a Variant of Uncertain Significance. Algorithms developed to predict the effect of missense changes on protein structure and function output the following: SIFT: "Tolerated"; PolyPhen-2: "Benign"; Align-GVGD: "Class C0". The glutamic acid amino acid residue is found in multiple mammalian species, which suggests that this missense change does not adversely affect protein function. This variant has not been reported in the literature in individuals affected with SPG11-related conditions.

Ambry Genetics
Classification: Uncertain significance for Inborn genetic diseases. Last evaluated: 2021-02-02. Review status: criteria provided, single submitter. Criteria: Ambry Variant Classification Scheme 2023. Collection method: clinical testing. Allele origin: germline.
Comment: The p.Q1042E variant (also known as c.3124C>G), located in coding exon 17 of the SPG11 gene, results from a C to G substitution at nucleotide position 3124. The glutamine at codon 1042 is replaced by glutamic acid, an amino acid with highly similar properties. This amino acid position is not well conserved in available vertebrate species, and glutamic acid is the reference amino acid in other vertebrate species. In addition, this alteration is predicted to be tolerated by in silico analysis. Since supporting evidence is limited at this time, the clinical significance of this alteration remains unclear.